The following is an entry in ClinVar:

ClinVar aggregate classification (germline): Pathogenic. Review status: criteria provided, single submitter (1 of 4 stars). 2 submissions from 2 submitters: Pathogenic (1). 1 of the submissions does not count toward it. Last evaluated 2024-07-23.

Conditions:
Wilson disease (WND). Also called: Wilson's disease. Identifiers: Orphanet 905, MedGen C0019202, MONDO:0010200, OMIM 277900. Disease mechanism: loss of function.

Submissions (2):

Labcorp Genetics (formerly Invitae), Labcorp
Classification: Pathogenic for Wilson disease. Last evaluated: 2024-07-23. Review status: criteria provided, single submitter. Criteria: Invitae Variant Classification Sherloc (09022015). Collection method: clinical testing. Allele origin: germline.
Comment: This sequence change replaces methionine, which is neutral and non-polar, with threonine, which is neutral and polar, at codon 1169 of the ATP7B protein (p.Met1169Thr). This variant is not present in population databases (gnomAD no frequency). This missense change has been observed in individual(s) with Wilson disease (PMID: 10544227, 21610751). In at least one individual the data is consistent with being in trans (on the opposite chromosome) from a pathogenic variant. ClinVar contains an entry for this variant (Variation ID: 557466). Advanced modeling of protein sequence and biophysical properties (such as structural, functional, and spatial information, amino acid conservation, physicochemical variation, residue mobility, and thermodynamic stability) performed at Invitae indicates that this missense variant is expected to disrupt ATP7B protein function with a positive predictive value of 80%. For these reasons, this variant has been classified as Pathogenic.

Counsyl
Classification: Likely pathogenic for Wilson disease. Last evaluated: 2018-03-29. Review status: no assertion criteria provided. Collection method: clinical testing. Allele origin: unknown. Not counted in ClinVar's aggregate classification.

Literature cited by the submitters: PubMed 10544227 (cited by Labcorp Genetics (formerly Invitae), Labcorp and Counsyl); PubMed 21610751 (cited by Labcorp Genetics (formerly Invitae), Labcorp and Counsyl).

NM_000053.4(ATP7B):c.3506T>C (p.Met1169Thr)

Gene: ATP7B (ATPase copper transporting beta; minus strand). Cytogenetic location: 13q14.3.
Variant type: single nucleotide variant.
Coding change: c.3506T>C on transcript NM_000053.4 (MANE Select); coding-DNA position 3506, T replaced by C.
Protein change: p.Met1169Thr; replaces methionine 1169 with threonine.
Molecular consequence: missense variant.
Genome position (GRCh38, 1-based): chr13:51,941,131, A>G on the plus strand (T>C on the coding strand, the complement: ATP7B is on the minus strand). VCF-style: chr13-51941131-A-G. GRCh37 (hg19) VCF-style: chr13-52515267-A-G.
Other names: c.2885T>C, p.Met962Thr (NM_001005918.3); c.3173T>C, p.Met1058Thr (NM_001243182.2); c.3272T>C, p.Met1091Thr (NM_001330578.2); c.3254T>C, p.Met1085Thr (NM_001330579.2); short protein forms M1169T, M1091T, M962T, M1058T, M1085T.
Identifiers: ClinVar variation 557466 (VCV000557466.4), dbSNP rs1555285311, ClinGen allele CA388026285.
Genomic context (GRCh38, chr13:51,941,131, plus strand): 5'-CAGAAGATACCGTCAATAGCCACCAGGATGGCTGTCTGTCCTTTCATCTCGTGGTCTGTC[A>G]TAGCGTCACTGACATCGCTAGAAATGGTTAAACCGTTGCGCCTCAGCCACTCACGGTTTC-3'
Protein context (NP_000044.2, residues 1159-1179): LTISSDVSDA[Met1169Thr]TDHEMKGQTA